The following is an entry in ClinVar:

NM_205836.3(FBXO38):c.2126C>G (p.Ala709Gly)

Gene: FBXO38 (F-box protein 38; plus strand). Cytogenetic location: 5q32.
Variant type: single nucleotide variant.
Coding change: c.2126C>G on transcript NM_205836.3 (MANE Select); coding-DNA position 2126, C replaced by G.
Protein change: p.Ala709Gly; replaces alanine 709 with glycine.
Molecular consequence: missense variant. On other transcripts: intron variant (1).
Genome position (GRCh38, 1-based): chr5:148,427,420, C>G. VCF-style: chr5-148427420-C-G. GRCh37 (hg19) VCF-style: chr5-147806983-C-G.
Other names: c.2126C>G, p.Ala709Gly (NM_030793.5); c.1918+1719C>G (NM_001271723.2); short protein forms A709G.
Identifiers: ClinVar variation 541032 (VCV000541032.13), dbSNP rs776182581, ClinGen allele CA3497449.

ClinVar aggregate classification (germline): Likely benign. Review status: criteria provided, multiple submitters, no conflicts (2 of 4 stars). 2 submissions from 2 submitters: Likely benign (2). Last evaluated 2026-01-24.

Conditions:
FBXO38-related disorder. Also called: FBXO38-related condition.
Distal hereditary motor neuropathy type 2. Identifiers: Orphanet 139525, MedGen C3711384, MeSH C580044, MONDO:0015352.

Allele frequency attached by ClinVar (database versions not stated): TOPMed 0.00008; gnomAD exomes 0.00005; gnomAD 0.00006.
gnomAD v4.1: 100 of 1,614,088 alleles (0.0062%); highest among the groups gnomAD compares: Non-Finnish European, 0.0014%; no homozygotes.

Submissions (2):

Labcorp Genetics (formerly Invitae), Labcorp
Classification: Likely benign for Distal hereditary motor neuropathy type 2. Last evaluated: 2026-01-24. Review status: criteria provided, single submitter. Criteria: Invitae Variant Classification Sherloc (09022015). Collection method: clinical testing. Allele origin: germline.

PreventionGenetics, part of Exact Sciences
Classification: Likely benign for FBXO38-related condition. Last evaluated: 2025-06-24. Review status: criteria provided, single submitter. Criteria: ACMG Guidelines, 2015. Collection method: clinical testing. Allele origin: germline.
Comment: This variant is classified as likely benign based on ACMG/AMP sequence variant interpretation guidelines (Richards et al. 2015 PMID: 25741868, with internal and published modifications).